The following is an entry in ClinVar:

NM_000059.4(BRCA2):c.1211dup (p.Asn404fs)

Gene: BRCA2 (BRCA2 DNA repair associated; plus strand). Cytogenetic location: 13q13.1.
Variant type: Duplication.
Coding change: c.1211dup on transcript NM_000059.4 (MANE Select); coding-DNA position 1211, one base duplicated (A; older notation c.1211dupA).
Protein change: p.Asn404fs; shifts the reading frame from asparagine 404.
Molecular consequence: frameshift variant.
Genome position (GRCh38, 1-based): chr13:32,332,689, A duplicated; the last of 3 consecutive A bases (chr13:32,332,687-32,332,689); duplicating any one gives the same sequence. VCF-style (leftmost placement, unchanged base first): chr13-32332686-T-TA. GRCh37 (hg19) VCF-style: chr13-32906823-T-TA.
Other names: c.1211dupA (NM_000059.3); short protein forms N404fs.
Identifiers: ClinVar variation 420224 (VCV000420224.2), dbSNP rs1555281775, ClinGen allele CA16619654.

ClinVar aggregate classification (germline): Pathogenic. Review status: reviewed by expert panel (3 of 4 stars). 2 submissions from 2 submitters: Pathogenic (1). 1 of the submissions does not count toward it. Last evaluated 2017-12-15.

Conditions:
Breast-ovarian cancer, familial, susceptibility to, 2 (BROVCA2). Also called: BRCA2 Hereditary Breast and Ovarian Cancer. Identifiers: Orphanet 145, MedGen C2675520, MONDO:0012933, OMIM 612555. Disease mechanism: loss of function.

Submissions (2):

Evidence-based Network for the Interpretation of Germline Mutant Alleles (ENIGMA)
Classification: Pathogenic for Breast-ovarian cancer, familial, susceptibility to, 2. Last evaluated: 2017-12-15. Review status: reviewed by expert panel. Criteria: ENIGMA BRCA1/2 Classification Criteria (2017-06-29). Collection method: curation. Allele origin: germline. Study: ENIGMA.
Comment: Variant allele predicted to encode a truncated non-functional protein.

GeneDx
Classification: Likely pathogenic. Last evaluated: 2015-12-01. Review status: criteria provided, single submitter. Criteria: GeneDx Variant Classification (06012015). Collection method: clinical testing. Allele origin: germline. Affected: yes. Not counted in ClinVar's aggregate classification.
Comment: This duplication of one nucleotide in BRCA2 is denoted c.1211dupA at the cDNA level and p.Asn404LysfsX17(N404KfsX17) at the protein level. The normal sequence, with the base that is duplicated in braces, is CTAA[A]TGGA. The duplication causes a frameshift, which changes an Asparagine to a Lysine at codon 404 in exon 10, and creates a premature stop codon at position 17 of the new reading frame. Although this variant has not, to our knowledge, been reported in the literature, it is predicted to cause loss of normal protein function through either protein truncation or nonsense-mediated mRNA decay. Based on the currently available information, we consider this duplication to be a likely pathogenic variant.